The following is an entry in ClinVar:

ClinVar aggregate classification (germline): Pathogenic (1 of 4 stars; one submission).

Conditions:
LAMA2-related muscular dystrophy (LAMA2-RD). Also called: Laminin alpha 2-related dystrophy. Identifiers: MedGen C5679788, MONDO:0100228.

Submission:

Labcorp Genetics (formerly Invitae), Labcorp
Classification: Pathogenic for LAMA2-related muscular dystrophy. Last evaluated: 2022-03-18. Review status: criteria provided, single submitter. Criteria: Invitae Variant Classification Sherloc (09022015). Collection method: clinical testing. Allele origin: germline.
Comment: For these reasons, this variant has been classified as Pathogenic. This sequence change creates a premature translational stop signal (p.Tyr690*) in the LAMA2 gene. It is expected to result in an absent or disrupted protein product. Loss-of-function variants in LAMA2 are known to be pathogenic (PMID: 18700894, 32904964). This variant is not present in population databases (gnomAD no frequency). This variant has not been reported in the literature in individuals affected with LAMA2-related conditions.

Literature cited by the submitters: PubMed 18700894; PubMed 32904964.

NM_000426.4(LAMA2):c.2070del (p.Thr689_Tyr690insTer)

Gene: LAMA2 (laminin subunit alpha 2; plus strand). Cytogenetic location: 6q22.33.
Variant type: Deletion.
Coding change: c.2070del on transcript NM_000426.4 (MANE Select); coding-DNA position 2070, one base deleted (C; older notation c.2070delC).
Protein change: p.Thr689_Tyr690insTer.
Molecular consequence: nonsense.
Genome position (GRCh38, 1-based): chr6:129,252,269, C deleted. VCF-style (leftmost placement, unchanged base first): chr6-129252268-AC-A. GRCh37 (hg19) VCF-style: chr6-129573413-AC-A.
Other names: c.2070del, p.Thr689_Tyr690insTer (NM_001079823.2).
Identifiers: ClinVar variation 2113382 (VCV002113382.4), dbSNP rs2482130457, ClinGen allele CA2580074912.